The following is an entry in ClinVar:

NM_000400.4(ERCC2):c.1659T>G (p.Tyr553Ter)

Gene: ERCC2 (ERCC excision repair 2, TFIIH core complex helicase subunit; minus strand). Cytogenetic location: 19q13.32.
Variant type: single nucleotide variant.
Coding change: c.1659T>G on transcript NM_000400.4 (MANE Select); coding-DNA position 1659, T replaced by G.
Protein change: p.Tyr553Ter; replaces tyrosine 553 with a stop codon.
Molecular consequence: nonsense.
Genome position (GRCh38, 1-based): chr19:45,354,736, A>C on the plus strand (T>G on the coding strand, the complement: ERCC2 is on the minus strand). VCF-style: chr19-45354736-A-C. GRCh37 (hg19) VCF-style: chr19-45857994-A-C.
Other names: short protein forms Y553*.
Identifiers: ClinVar variation 2803330 (VCV002803330.4), dbSNP rs2514006097, ClinGen allele CA406365149.

ClinVar aggregate classification (germline): Pathogenic. Review status: criteria provided, multiple submitters, no conflicts (2 of 4 stars). 2 submissions from 2 submitters: Pathogenic (2). Last evaluated 2024-05-04.

Conditions:
ERCC2-related disorder. Also called: ERCC2-related disorders; ERCC2-related conditions; ERCC2-related condition. Identifiers: MedGen CN239291.

Submissions (2):

Myriad Genetics, Inc.
Classification: Pathogenic for ERCC2-related disorder. Last evaluated: 2024-05-04. Review status: criteria provided, single submitter. Criteria: Myriad Autosomal Dominant, Autosomal Recessive and X-Linked Classification Criteria (2023). Collection method: clinical testing. Allele origin: unknown.
Comment: NM_000400.3(ERCC2):c.1659T>G(Y553*) is expected to be pathogenic in the context of ERCC2-related disorders. This variant is predicted to lead to an abnormal or absent protein product due to the creation of a premature termination codon in ERCC2, a gene where loss-of-function variants are known to be pathogenic. Please note: this variant was assessed in the context of healthy population screening.

Labcorp Genetics (formerly Invitae), Labcorp
Classification: Pathogenic. Last evaluated: 2023-06-15. Review status: criteria provided, single submitter. Criteria: Invitae Variant Classification Sherloc (09022015). Collection method: clinical testing. Allele origin: germline.
Comment: This sequence change creates a premature translational stop signal (p.Tyr553*) in the ERCC2 gene. It is expected to result in an absent or disrupted protein product. Loss-of-function variants in ERCC2 are known to be pathogenic (PMID: 9238033, 11335038, 19085937, 19934020). This variant is not present in population databases (gnomAD no frequency). This variant has not been reported in the literature in individuals affected with ERCC2-related conditions. For these reasons, this variant has been classified as Pathogenic.

Literature cited by the submitters: PubMed 9238033 (cited by Labcorp Genetics (formerly Invitae), Labcorp); PubMed 11335038 (cited by Labcorp Genetics (formerly Invitae), Labcorp); PubMed 19085937 (cited by Labcorp Genetics (formerly Invitae), Labcorp); PubMed 19934020 (cited by Labcorp Genetics (formerly Invitae), Labcorp).